The following is an entry in ClinVar:

ClinVar aggregate classification (germline): Uncertain significance (1 of 4 stars; one submission).

Conditions:
Inborn genetic diseases. Identifiers: MedGen C0950123, MeSH D030342.

Allele frequency attached by ClinVar (database versions not stated): ExAC 0.00001.
gnomAD v4.1: 2 of 1,614,028 alleles (0.00012%); highest among the groups gnomAD compares: Non-Finnish European, 0.00017%; no homozygotes.

Submission:

Ambry Genetics
Classification: Uncertain significance for Inborn genetic diseases. Last evaluated: 2023-09-14. Review status: criteria provided, single submitter. Criteria: Ambry Variant Classification Scheme 2023. Collection method: clinical testing. Allele origin: germline.
Comment: The p.D642A variant (also known as c.1925A>C), located in coding exon 12 of the EPAS1 gene, results from an A to C substitution at nucleotide position 1925. The aspartic acid at codon 642 is replaced by alanine, an amino acid with dissimilar properties. This amino acid position is conserved. In addition, the in silico prediction for this alteration is inconclusive. Since supporting evidence is limited at this time, the clinical significance of this alteration remains unclear.

NM_001430.5(EPAS1):c.1925A>C (p.Asp642Ala)

Gene: EPAS1 (endothelial PAS domain protein 1; plus strand). Cytogenetic location: 2p21.
Variant type: single nucleotide variant.
Coding change: c.1925A>C on transcript NM_001430.5 (MANE Select); coding-DNA position 1925, A replaced by C.
Protein change: p.Asp642Ala; replaces aspartic acid 642 with alanine.
Molecular consequence: missense variant.
Genome position (GRCh38, 1-based): chr2:46,380,597, A>C. VCF-style: chr2-46380597-A-C. GRCh37 (hg19) VCF-style: chr2-46607736-A-C.
Other names: short protein forms D642A.
Identifiers: ClinVar variation 2588472 (VCV002588472.2), dbSNP rs748980552, ClinGen allele CA1645150.